The following is an entry in ClinVar:

ClinVar aggregate classification (germline): Uncertain significance (1 of 4 stars; one submission).

Conditions:
Bloom syndrome (BLM). Also called: Bloom-Torre-Machacek syndrome. Identifiers: Orphanet 125, MedGen C0005859, MONDO:0008876, OMIM 210900.

Allele frequency attached by ClinVar (database versions not stated): gnomAD exomes below 0.00001.

Submission:

Labcorp Genetics (formerly Invitae), Labcorp
Classification: Uncertain significance for Bloom syndrome. Last evaluated: 2019-06-05. Review status: criteria provided, single submitter. Criteria: Invitae Variant Classification Sherloc (09022015). Collection method: clinical testing. Allele origin: germline.
Comment: In summary, the available evidence is currently insufficient to determine the role of this variant in disease. Therefore, it has been classified as a Variant of Uncertain Significance. Algorithms developed to predict the effect of missense changes on protein structure and function are either unavailable or do not agree on the potential impact of this missense change (SIFT: "Tolerated"; PolyPhen-2: "Possibly Damaging"; Align-GVGD: "Class C0"). This variant has not been reported in the literature in individuals with BLM-related conditions. This variant is not present in population databases (ExAC no frequency). This sequence change replaces valine with leucine at codon 852 of the BLM protein (p.Val852Leu). The valine residue is moderately conserved and there is a small physicochemical difference between valine and leucine.

NM_000057.4(BLM):c.2554G>C (p.Val852Leu)

Gene: BLM (BLM RecQ like helicase; plus strand). Cytogenetic location: 15q26.1.
Variant type: single nucleotide variant.
Coding change: c.2554G>C on transcript NM_000057.4 (MANE Select); coding-DNA position 2554, G replaced by C.
Protein change: p.Val852Leu; replaces valine 852 with leucine.
Molecular consequence: missense variant.
Genome position (GRCh38, 1-based): chr15:90,769,585, G>C. VCF-style: chr15-90769585-G-C. GRCh37 (hg19) VCF-style: chr15-91312815-G-C.
Other names: c.2554G>C, p.Val852Leu (NM_001287246.2, NM_001287247.2); c.1429G>C, p.Val477Leu (NM_001287248.2); short protein forms V477L, V852L.
Identifiers: ClinVar variation 934817 (VCV000934817.10), dbSNP rs1896245090, ClinGen allele CA393845563.